The following is an entry in ClinVar:

NM_001792.5(CDH2):c.1887C>G (p.Asp629Glu)

Gene: CDH2 (cadherin 2; minus strand). Cytogenetic location: 18q12.1.
Variant type: single nucleotide variant.
Coding change: c.1887C>G on transcript NM_001792.5 (MANE Select); coding-DNA position 1887, C replaced by G.
Protein change: p.Asp629Glu; replaces aspartic acid 629 with glutamic acid.
Molecular consequence: missense variant.
Genome position (GRCh38, 1-based): chr18:27,985,616, G>C on the plus strand (C>G on the coding strand, the complement: CDH2 is on the minus strand). VCF-style: chr18-27985616-G-C. GRCh37 (hg19) VCF-style: chr18-25565580-G-C.
Other names: c.1794C>G, p.Asp598Glu (NM_001308176.2); short protein forms D598E, D629E.
Identifiers: ClinVar variation 3906618 (VCV003906618.1).

ClinVar aggregate classification (germline): Uncertain significance (1 of 4 stars; one submission).

Submission:

GeneDx
Classification: Uncertain significance. Last evaluated: 2024-12-10. Review status: criteria provided, single submitter. Criteria: GeneDx Variant Classification Process June 2021. Collection method: clinical testing. Allele origin: germline. Affected: yes.
Comment: Not observed at significant frequency in large population cohorts (gnomAD); In silico analysis supports that this missense variant has a deleterious effect on protein structure/function; Has not been previously published as pathogenic or benign to our knowledge